The following is an entry in ClinVar:

ClinVar aggregate classification (germline): Uncertain significance. Review status: criteria provided, multiple submitters, no conflicts (2 of 4 stars). 6 submissions from 5 submitters: Uncertain significance (6). Last evaluated 2025-07-24.

Conditions:
SAG-related disorder. Also called: SAG-related condition; SAG-related disorders.
Retinitis pigmentosa (RP). Identifiers: Orphanet 791, MedGen C0035334, MeSH D012174, MONDO:0019200, OMIM 268000. Inheritance: Autosomal dominant, autosomal recessive and X linked inheritance.
Oguchi disease. Also called: Oguchi's disease. Identifiers: Orphanet 75382, MedGen C1306122, MONDO:0019152.

Allele frequency attached by ClinVar (database versions not stated): gnomAD 0.00002; TOPMed 0.00005; ExAC 0.00015; 1000 Genomes Project 30x 0.00031; 1000 Genomes Project 0.00040.
gnomAD v4.1: 106 of 1,613,968 alleles (0.0066%); highest among the groups gnomAD compares: South Asian, 0.091%; 1 homozygote.

Submissions (6):

PreventionGenetics, part of Exact Sciences
Classification: Uncertain significance for SAG-related condition. Last evaluated: 2025-07-24. Review status: criteria provided, single submitter. Criteria: ACMG Guidelines, 2015. Collection method: clinical testing. Allele origin: germline.
Comment: The SAG c.875G>A variant is predicted to result in the amino acid substitution p.Arg292Gln. To our knowledge, this variant has not been reported in the literature. This variant is reported in 0.082% of alleles in individuals of South Asian descent in gnomAD, which may be too frequent to be a primary cause of disease. Although we suspect that this variant may be benign, the clinical significance of this variant is classified as uncertain at this time due to the absence of conclusive functional and genetic evidence.

Labcorp Genetics (formerly Invitae), Labcorp
Classification: Uncertain significance. Last evaluated: 2025-02-24. Review status: criteria provided, single submitter. Criteria: Invitae Variant Classification Sherloc (09022015). Collection method: clinical testing. Allele origin: germline.
Comment: This sequence change replaces arginine, which is basic and polar, with glutamine, which is neutral and polar, at codon 292 of the SAG protein (p.Arg292Gln). This variant is present in population databases (rs554322769, gnomAD 0.08%). This variant has not been reported in the literature in individuals affected with SAG-related conditions. ClinVar contains an entry for this variant (Variation ID: 193815). Invitae Evidence Modeling of protein sequence and biophysical properties (such as structural, functional, and spatial information, amino acid conservation, physicochemical variation, residue mobility, and thermodynamic stability) indicates that this missense variant is not expected to disrupt SAG protein function with a negative predictive value of 80%. In summary, the available evidence is currently insufficient to determine the role of this variant in disease. Therefore, it has been classified as a Variant of Uncertain Significance.

Blueprint Genetics
Classification: Uncertain significance. Last evaluated: 2024-01-24. Review status: criteria provided, single submitter. Criteria: ACMG Guidelines, 2015. Collection method: clinical testing. Allele origin: germline.

Illumina Laboratory Services, Illumina
Classification: Uncertain significance for Retinitis pigmentosa. Last evaluated: 2018-01-13. Review status: criteria provided, single submitter. Criteria: ICSL Variant Classification Criteria 13 December 2019. Collection method: clinical testing. Allele origin: germline.

Illumina Laboratory Services, Illumina
Classification: Uncertain significance for Oguchi disease-1. Last evaluated: 2018-01-13. Review status: criteria provided, single submitter. Criteria: ICSL Variant Classification Criteria 13 December 2019. Collection method: clinical testing. Allele origin: germline.

Eurofins Ntd Llc (ga)
Classification: Uncertain significance. Last evaluated: 2015-03-16. Review status: criteria provided, single submitter. Criteria: EGL Classification Definitions 2015. Collection method: clinical testing. Allele origin: germline. Observed: 1 variant allele, 1 heterozygote.

NM_000541.5(SAG):c.875G>A (p.Arg292Gln)

Gene: SAG (S-antigen visual arrestin; plus strand). Cytogenetic location: 2q37.1.
Variant type: single nucleotide variant.
Coding change: c.875G>A on transcript NM_000541.5 (MANE Select); coding-DNA position 875, G replaced by A.
Protein change: p.Arg292Gln; replaces arginine 292 with glutamine.
Molecular consequence: missense variant.
Genome position (GRCh38, 1-based): chr2:233,335,030, G>A. VCF-style: chr2-233335030-G-A. GRCh37 (hg19) VCF-style: chr2-234243676-G-A.
Other names: short protein forms R292Q.
Identifiers: ClinVar variation 193815 (VCV000193815.17), dbSNP rs554322769, ClinGen allele CA239477.